The following is an entry in ClinVar:

NM_025114.4(CEP290):c.7370C>T (p.Thr2457Ile)

Genes: CEP290 (centrosomal protein 290; minus strand), RLIG1 (RNA 5'-phosphate and 3'-OH ligase 1; plus strand). Cytogenetic location: 12q21.32.
Variant type: single nucleotide variant.
Coding change: c.7370C>T on transcript NM_025114.4 (MANE Select); coding-DNA position 7370, C replaced by T.
Protein change: p.Thr2457Ile; replaces threonine 2457 with isoleucine.
Molecular consequence: missense variant. On other transcripts: 3 prime UTR variant (1).
Genome position (GRCh38, 1-based): chr12:88,049,254, G>A on the plus strand (C>T on the coding strand, the complement: CEP290 is on the minus strand). VCF-style: chr12-88049254-G-A. GRCh37 (hg19) VCF-style: chr12-88443031-G-A.
Other names: c.*832G>A (NM_001009894.3); short protein forms T2457I.
Identifiers: ClinVar variation 943045 (VCV000943045.10), dbSNP rs2033234687, ClinGen allele CA385972262.

ClinVar aggregate classification (germline): Uncertain significance (1 of 4 stars; one submission).

Conditions:
Meckel-Gruber syndrome. Also called: Dysencephalia splachnocystica; DYSENCEPHALIA SPLANCHNOCYSTICA; GRUBER SYNDROME. Identifiers: Orphanet 564, MedGen C0265215, MONDO:0018921.
Nephronophthisis. Also called: Juvenile Nephronophthisis. Identifiers: Orphanet 655, MedGen C0687120, MONDO:0019005, HP:0000090.
Joubert syndrome. Also called: Familial aplasia of the vermis; CEREBELLOPARENCHYMAL DISORDER IV; JOUBERT-BOLTSHAUSER SYNDROME. Identifiers: Orphanet 475, MedGen C5979921, MONDO:0018772.

Allele frequency attached by ClinVar (database versions not stated): gnomAD exomes below 0.00001.
gnomAD v4.1: 1 of 1,609,764 alleles (0.000062%); highest among the groups gnomAD compares: Non-Finnish European, 0.000085%; no homozygotes.

Submission:

Labcorp Genetics (formerly Invitae), Labcorp
Classification: Uncertain significance for Joubert syndrome; Meckel-Gruber syndrome; Nephronophthisis. Last evaluated: 2019-09-02. Review status: criteria provided, single submitter. Criteria: Invitae Variant Classification Sherloc (09022015). Collection method: clinical testing. Allele origin: germline.
Comment: This sequence change replaces threonine with isoleucine at codon 2457 of the CEP290 protein (p.Thr2457Ile). The threonine residue is weakly conserved and there is a moderate physicochemical difference between threonine and isoleucine. This variant is not present in population databases (ExAC no frequency). This variant has not been reported in the literature in individuals with CEP290-related conditions. Algorithms developed to predict the effect of missense changes on protein structure and function (SIFT, PolyPhen-2, Align-GVGD) all suggest that this variant is likely to be tolerated, but these predictions have not been confirmed by published functional studies and their clinical significance is uncertain. In summary, the available evidence is currently insufficient to determine the role of this variant in disease. Therefore, it has been classified as a Variant of Uncertain Significance.